The following is an entry in ClinVar:

NM_014363.6(SACS):c.1207A>T (p.Ile403Phe)

Gene: SACS (sacsin molecular chaperone; minus strand). Cytogenetic location: 13q12.12.
Variant type: single nucleotide variant.
Coding change: c.1207A>T on transcript NM_014363.6 (MANE Select); coding-DNA position 1207, A replaced by T.
Protein change: p.Ile403Phe; replaces isoleucine 403 with phenylalanine.
Molecular consequence: missense variant.
Genome position (GRCh38, 1-based): chr13:23,355,405, T>A on the plus strand (A>T on the coding strand, the complement: SACS is on the minus strand). VCF-style: chr13-23355405-T-A. GRCh37 (hg19) VCF-style: chr13-23929544-T-A.
Other names: c.766A>T, p.Ile256Phe (NM_001278055.2); c.1207A>T, p.Ile403Phe (NM_001437336.1); short protein forms I256F, I403F.
Identifiers: ClinVar variation 4682343 (VCV004682343.1).

ClinVar aggregate classification (germline): Uncertain significance (1 of 4 stars; one submission).

Submission:

Athena Diagnostics
Classification: Uncertain significance. Last evaluated: 2025-10-22. Review status: criteria provided, single submitter. Criteria: Athena Diagnostics Criteria. Collection method: clinical testing. Allele origin: unknown.
Comment: Available data are insufficient to determine the clinical significance of the variant at this time. This variant has not been reported in large, multi-ethnic general populations. Polyphen and MutationTaster predict this amino acid change may be benign.